The following is an entry in ClinVar:

NM_000256.3(MYBPC3):c.1785C>T (p.Ile595=)

Gene: MYBPC3 (myosin binding protein C3; minus strand). Cytogenetic location: 11p11.2.
Variant type: single nucleotide variant.
Coding change: c.1785C>T on transcript NM_000256.3 (MANE Select); coding-DNA position 1785, C replaced by T.
Protein change: p.Ile595=; no amino-acid change (isoleucine 595 retained).
Molecular consequence: synonymous variant.
Genome position (GRCh38, 1-based): chr11:47,341,996, G>A on the plus strand (C>T on the coding strand, the complement: MYBPC3 is on the minus strand). VCF-style: chr11-47341996-G-A. GRCh37 (hg19) VCF-style: chr11-47363547-G-A.
Other names: c.1785C>T, p.Ile595= (LRG_386t1).
Identifiers: ClinVar variation 525102 (VCV000525102.17), dbSNP rs572227730, ClinGen allele CA078286.

ClinVar aggregate classification (germline): Likely benign. Review status: criteria provided, multiple submitters, no conflicts (2 of 4 stars). 5 submissions from 5 submitters: Likely benign (5). Last evaluated 2024-07-01.

Conditions:
Hypertrophic cardiomyopathy. Also called: HYPERTROPHIC MYOCARDIOPATHY. Identifiers: Orphanet 217569, MedGen C0007194, MeSH D002312, MONDO:0005045, HP:0001639.
Cardiomyopathy (CMYO). Also called: Cardiomyopathies. Identifiers: Orphanet 167848, MedGen C0878544, MONDO:0004994, HP:0001638. Inheritance: Various modes of inheritance.
Cardiovascular phenotype. Identifiers: MedGen CN230736.

Allele frequency attached by ClinVar (database versions not stated): TOPMed 0.00005; ExAC below 0.00001; gnomAD exomes 0.00002; gnomAD 0.00003.
gnomAD v4.1: 11 of 1,563,588 alleles (0.0007%); highest among the groups gnomAD compares: Admixed American, 0.0097%; no homozygotes.

Submissions (5):

Labcorp Genetics (formerly Invitae), Labcorp
Classification: Likely benign for Hypertrophic cardiomyopathy. Last evaluated: 2024-07-01. Review status: criteria provided, single submitter. Criteria: Invitae Variant Classification Sherloc (09022015). Collection method: clinical testing. Allele origin: germline.

All of Us Research Program, National Institutes of Health
Classification: Likely benign for Hypertrophic cardiomyopathy. Last evaluated: 2024-02-05. Review status: criteria provided, single submitter. Criteria: ACMG Guidelines, 2015. Collection method: clinical testing. Allele origin: germline. Inheritance: Autosomal dominant inheritance. Observed: 4 variant alleles, 4 heterozygotes.
Comment: This study involves interpretation of variants in research participants for the purpose of population health screening. Participant phenotype was not available at the time of variant classification. Additional details can be found in publication PMID: 35346344, PMCID: PMC8962531

Ambry Genetics
Classification: Likely benign for Cardiovascular phenotype. Last evaluated: 2022-09-10. Review status: criteria provided, single submitter. Criteria: Ambry Variant Classification Scheme 2023. Collection method: clinical testing. Allele origin: germline.

CHEO Genetics Diagnostic Laboratory, Children's Hospital of Eastern Ontario
Classification: Likely benign for Cardiomyopathy. Last evaluated: 2020-05-26. Review status: criteria provided, single submitter. Criteria: ACMG Guidelines, 2015. Collection method: clinical testing. Allele origin: germline.

Color Diagnostics, LLC DBA Color Health
Classification: Likely benign for Cardiomyopathy. Last evaluated: 2019-11-24. Review status: criteria provided, single submitter. Criteria: ACMG Guidelines, 2015. Collection method: clinical testing. Allele origin: germline.